The following is an entry in ClinVar:

NM_016239.4(MYO15A):c.1321G>A (p.Ala441Thr)

Gene: MYO15A (myosin XVA; plus strand). Cytogenetic location: 17p11.2.
Variant type: single nucleotide variant.
Coding change: c.1321G>A on transcript NM_016239.4 (MANE Select); coding-DNA position 1321, G replaced by A.
Protein change: p.Ala441Thr; replaces alanine 441 with threonine.
Molecular consequence: missense variant.
Genome position (GRCh38, 1-based): chr17:18,120,121, G>A. VCF-style: chr17-18120121-G-A. GRCh37 (hg19) VCF-style: chr17-18023435-G-A.
Other names: short protein forms A441T.
Identifiers: ClinVar variation 2215787 (VCV002215787.4), dbSNP rs1340965074, ClinGen allele CA398579093.

ClinVar aggregate classification (germline): Uncertain significance. Review status: criteria provided, multiple submitters, no conflicts (2 of 4 stars). 3 submissions from 3 submitters: Uncertain significance (3). Last evaluated 2026-03-19.

Conditions:
MYO15A-related disorder. Also called: MYO15A-related condition.
Inborn genetic diseases. Identifiers: MedGen C0950123, MeSH D030342.

Allele frequency attached by ClinVar (database versions not stated): gnomAD exomes below 0.00001.
gnomAD v4.1: 1 of 1,612,784 alleles (0.000062%); highest among the groups gnomAD compares: Admixed American, 0.0017%; no homozygotes.

Submissions (3):

PreventionGenetics, part of Exact Sciences
Classification: Uncertain significance for MYO15A-related condition. Last evaluated: 2026-03-19. Review status: criteria provided, single submitter. Criteria: ACMG Guidelines, 2015. Collection method: clinical testing. Allele origin: germline.
Comment: The MYO15A c.1321G>A variant is predicted to result in the amino acid substitution p.Ala441Thr. To our knowledge, this variant has not been reported in the literature. This variant is reported in 0.0029% of alleles in individuals of Latino descent in gnomAD. At this time, the clinical significance of this variant is uncertain due to the absence of conclusive functional and genetic evidence.

GeneDx
Classification: Uncertain significance. Last evaluated: 2024-12-18. Review status: criteria provided, single submitter. Criteria: GeneDx Variant Classification Process June 2021. Collection method: clinical testing. Allele origin: germline. Affected: yes.
Comment: Not observed at significant frequency in large population cohorts (gnomAD); In silico analysis indicates that this missense variant does not alter protein structure/function; Has not been previously published as pathogenic or benign to our knowledge

Ambry Genetics
Classification: Uncertain significance for Inborn genetic diseases. Last evaluated: 2022-06-03. Review status: criteria provided, single submitter. Criteria: Ambry Variant Classification Scheme 2023. Collection method: clinical testing. Allele origin: germline.